The following is an entry in ClinVar:

ClinVar aggregate classification (germline): Uncertain significance (1 of 4 stars; one submission).

Conditions:
Autosomal recessive limb-girdle muscular dystrophy type 2P. Also called: MUSCULAR DYSTROPHY-DYSTROGLYCANOPATHY, LIMB-GIRDLE, DAG1-RELATED; Limb-Girdle Muscular Dystrophy Type 9C; MUSCULAR DYSTROPHY, LIMB-GIRDLE, TYPE 2P. Identifiers: Orphanet 280333, MedGen C4511963, MONDO:0013440, OMIM 613818.
Muscular dystrophy-dystroglycanopathy (congenital with brain and eye anomalies), type A9. Also called: WALKER-WARBURG SYNDROME OR MUSCLE-EYE BRAIN DISEASE, DAG1-RELATED; Muscular dystrophy-dystroglycanopathy (congenital with brain and eye anomalies), type a, 9. Identifiers: Orphanet 370997, Orphanet 899, MedGen C4225291, MONDO:0014683, OMIM 616538.

Allele frequency attached by ClinVar (database versions not stated): gnomAD exomes below 0.00001.

Submission:

Labcorp Genetics (formerly Invitae), Labcorp
Classification: Uncertain significance for Autosomal recessive limb-girdle muscular dystrophy type 2P; Muscular dystrophy-dystroglycanopathy (congenital with brain and eye anomalies), type A9. Last evaluated: 2023-11-13. Review status: criteria provided, single submitter. Criteria: Invitae Variant Classification Sherloc (09022015). Collection method: clinical testing. Allele origin: germline.
Comment: This sequence change replaces asparagine, which is neutral and polar, with serine, which is neutral and polar, at codon 882 of the DAG1 protein (p.Asn882Ser). This variant is not present in population databases (gnomAD no frequency). This variant has not been reported in the literature in individuals affected with DAG1-related conditions. ClinVar contains an entry for this variant (Variation ID: 1398838). Advanced modeling of protein sequence and biophysical properties (such as structural, functional, and spatial information, amino acid conservation, physicochemical variation, residue mobility, and thermodynamic stability) performed at Invitae indicates that this missense variant is not expected to disrupt DAG1 protein function with a negative predictive value of 80%. In summary, the available evidence is currently insufficient to determine the role of this variant in disease. Therefore, it has been classified as a Variant of Uncertain Significance.

NM_004393.6(DAG1):c.2645A>G (p.Asn882Ser)

Gene: DAG1 (dystroglycan 1; plus strand). Cytogenetic location: 3p21.31.
Variant type: single nucleotide variant.
Coding change: c.2645A>G on transcript NM_004393.6 (MANE Select); coding-DNA position 2645, A replaced by G.
Protein change: p.Asn882Ser; replaces asparagine 882 with serine.
Molecular consequence: missense variant.
Genome position (GRCh38, 1-based): chr3:49,533,156, A>G. VCF-style: chr3-49533156-A-G. GRCh37 (hg19) VCF-style: chr3-49570589-A-G.
Other names: c.2645A>G, p.Asn882Ser (NM_001165928.4, NM_001177634.3, NM_001177635.3 and 9 more transcripts); short protein forms N882S.
Identifiers: ClinVar variation 1398838 (VCV001398838.7), dbSNP rs2107959641, ClinGen allele CA352798831.